The following is an entry in ClinVar:

NM_001303.4(COX10):c.48C>T (p.Cys16=)

Gene: COX10 (cytochrome c oxidase assembly factor heme A:farnesyltransferase COX10; plus strand). Cytogenetic location: 17p12.
Variant type: single nucleotide variant.
Coding change: c.48C>T on transcript NM_001303.4 (MANE Select); coding-DNA position 48, C replaced by T.
Protein change: p.Cys16=; no amino-acid change (cysteine 16 retained).
Molecular consequence: synonymous variant.
Genome position (GRCh38, 1-based): chr17:14,074,327, C>T. VCF-style: chr17-14074327-C-T. GRCh37 (hg19) VCF-style: chr17-13977644-C-T.
Identifiers: ClinVar variation 377745 (VCV000377745.10), dbSNP rs748889500, ClinGen allele CA8402233.

ClinVar aggregate classification (germline): Benign/Likely benign. Review status: criteria provided, multiple submitters, no conflicts (2 of 4 stars). 4 submissions from 4 submitters: Benign (1); Likely benign (3). Last evaluated 2026-01-05.

Conditions:
Mitochondrial complex IV deficiency, nuclear type 3. Also called: Mitochondrial complex 4 deficiency, nuclear type 3. Identifiers: MedGen C5436682, MONDO:0033635, OMIM 619046.

Allele frequency attached by ClinVar (database versions not stated): TOPMed 0.00002; ExAC 0.00007; gnomAD exomes 0.00009 and 0.00014; gnomAD 0.00010.
gnomAD v4.1: 140 of 1,614,016 alleles (0.0087%); highest among the groups gnomAD compares: Non-Finnish European, 0.0069%; no homozygotes.

Submissions (4):

Labcorp Genetics (formerly Invitae), Labcorp
Classification: Likely benign. Last evaluated: 2026-01-05. Review status: criteria provided, single submitter. Criteria: Invitae Variant Classification Sherloc (09022015). Collection method: clinical testing. Allele origin: germline.

Blueprint Genetics
Classification: Likely benign. Last evaluated: 2024-11-20. Review status: criteria provided, single submitter. Criteria: ACMG Guidelines, 2015. Collection method: clinical testing. Allele origin: germline.

Fulgent Genetics
Classification: Likely benign for Mitochondrial complex IV deficiency, nuclear type 3. Last evaluated: 2022-04-18. Review status: criteria provided, single submitter. Criteria: ACMG Guidelines, 2015. Collection method: clinical testing. Allele origin: unknown.

GeneDx
Classification: Benign. Last evaluated: 2015-03-23. Review status: criteria provided, single submitter. Criteria: GeneDx Variant Classification (06012015). Collection method: clinical testing. Allele origin: germline. Affected: yes.
Comment: This variant is considered likely benign or benign based on one or more of the following criteria: it is a conservative change, it occurs at a poorly conserved position in the protein, it is predicted to be benign by multiple in silico algorithms, and/or has population frequency not consistent with disease.